The following is an entry in ClinVar:

ClinVar aggregate classification (germline): Uncertain significance (1 of 4 stars; one submission).

Conditions:
Inborn genetic diseases. Identifiers: MedGen C0950123, MeSH D030342.

Submission:

Ambry Genetics
Classification: Uncertain significance for Inborn genetic diseases. Last evaluated: 2021-07-09. Review status: criteria provided, single submitter. Criteria: Ambry Variant Classification Scheme 2023. Collection method: clinical testing. Allele origin: germline.
Comment: The c.2310-3C>G intronic alteration consists of a C to G substitution 3 nucleotides before coding exon 17 in the AP1B1 gene. Based on insufficient or conflicting evidence, the clinical significance of this alteration remains unclear.

NM_001127.4(AP1B1):c.2310-3C>G

Gene: AP1B1 (adaptor related protein complex 1 subunit beta 1; minus strand). Cytogenetic location: 22q12.2.
Variant type: single nucleotide variant.
Coding change: c.2310-3C>G on transcript NM_001127.4 (MANE Select); 3 bases into the intron before coding-DNA position 2310, C replaced by G.
Molecular consequence: intron variant.
Genome position (GRCh38, 1-based): chr22:29,331,919, G>C on the plus strand (C>G on the coding strand, the complement: AP1B1 is on the minus strand). VCF-style: chr22-29331919-G-C. GRCh37 (hg19) VCF-style: chr22-29727908-G-C.
Other names: c.2118-3C>G (NM_001378565.1); c.2139-3C>G (NM_001378564.1); c.2103-3C>G (NM_001378566.1); c.2229-3C>G (NM_001166019.2); c.2289-3C>G (NM_145730.3, NM_001378563.1); c.2310-3C>G (NM_001378562.1).
Identifiers: ClinVar variation 2231778 (VCV002231778.2), dbSNP rs2061565545, ClinGen allele CA2580099408.